The following is an entry in ClinVar:

NM_005120.3(MED12):c.6150GCA[3] (p.Gln2074_Gln2076del)

Gene: MED12 (mediator complex subunit 12; plus strand). Cytogenetic location: Xq13.1.
Variant type: Microsatellite.
Coding change: c.6150GCA[3] on transcript NM_005120.3 (MANE Select); three copies in a row of the 3-base unit GCA starting at c.6150; the reference has six copies in a row; three copies, 9 bases deleted.
Protein change: p.Gln2074_Gln2076del.
Molecular consequence: inframe deletion.
Genome position (GRCh38, 1-based): chrX:71,140,749-71,140,757, GCAGCAGCA deleted; deleting any 9 consecutive bases within chrX:71,140,739-71,140,757 gives the same sequence; the position shown is the placement nearest the transcript's 3' end. VCF-style (leftmost placement, unchanged base first): chrX-71140738-GAGCAGCAGC-G. GRCh37 (hg19) VCF-style: chrX-70360588-GAGCAGCAGC-G.
Other names: c.6159_6167delGCAGCAGCA (NM_005120.2).
Identifiers: ClinVar variation 2058888 (VCV002058888.5), dbSNP rs769857818, ClinGen allele CA641958657.

ClinVar aggregate classification (germline): Conflicting classifications of pathogenicity. Review status: criteria provided, conflicting classifications (1 of 4 stars). 2 submissions from 2 submitters: Uncertain significance (1); Benign (1). Last evaluated 2024-05-23.

Conditions:
FG syndrome (FGS). Identifiers: MedGen C0220769, MONDO:0002010.
Familial thoracic aortic aneurysm and aortic dissection (TAAD). Also called: Thoracic aortic aneurysms and dissections. Identifiers: Orphanet 91387, MedGen C4707243, MONDO:0019625.

Submissions (2):

Ambry Genetics
Classification: Uncertain significance for Familial thoracic aortic aneurysm and aortic dissection. Last evaluated: 2024-05-23. Review status: criteria provided, single submitter. Criteria: Ambry Variant Classification Scheme 2023. Collection method: clinical testing. Allele origin: germline.
Comment: The c.6159_6167delGCAGCAGCA variant (also known as p.Q2074_Q2076del) is located in coding exon 42 of the MED12 gene. This variant results from an in-frame GCAGCAGCA deletion at nucleotide positions 6159 to 6167. This results in the in-frame deletion of a at codon 2074. These amino acid positions are highly conserved in available vertebrate species. In addition, this alteration is predicted to be neutral by in silico analysis (Choi Y et al. PLoS ONE. 2012; 7(10):e46688). Based on data from gnomAD, this variant has an overall frequency of <0.01% (1/179513) total alleles studied, with 1 hemizygote(s) observed. The highest observed frequency was <0.01% (1/79541) of European (non-Finnish) alleles. Based on the available evidence, the clinical significance of this variant remains unclear.

Labcorp Genetics (formerly Invitae), Labcorp
Classification: Benign for FG syndrome. Last evaluated: 2024-04-10. Review status: criteria provided, single submitter. Criteria: Invitae Variant Classification Sherloc (09022015). Collection method: clinical testing. Allele origin: germline.